The following is an entry in ClinVar:

NM_015213.4(DENND5A):c.1794C>T (p.Asp598=)

Gene: DENND5A (DENN domain containing 5A; minus strand). Cytogenetic location: 11p15.4.
Variant type: single nucleotide variant.
Coding change: c.1794C>T on transcript NM_015213.4 (MANE Select); coding-DNA position 1794, C replaced by T.
Protein change: p.Asp598=; no amino-acid change (aspartic acid 598 retained).
Molecular consequence: synonymous variant. On other transcripts: non-coding transcript variant (1).
Genome position (GRCh38, 1-based): chr11:9,178,244, G>A on the plus strand (C>T on the coding strand, the complement: DENND5A is on the minus strand). VCF-style: chr11-9178244-G-A. GRCh37 (hg19) VCF-style: chr11-9199791-G-A.
Other names: c.1794C>T, p.Asp598= (NM_001243254.2, NM_001348748.1); c.1722C>T, p.Asp574= (NM_001348749.2); c.1506C>T, p.Asp502= (NM_001348750.2).
Identifiers: ClinVar variation 2417256 (VCV002417256.25), dbSNP rs377381275, ClinGen allele CA5877522.

ClinVar aggregate classification (germline): Likely benign. Review status: criteria provided, multiple submitters, no conflicts (2 of 4 stars). 2 submissions from 2 submitters: Likely benign (2). Last evaluated 2024-06-01.

Allele frequency attached by ClinVar (database versions not stated): gnomAD 0.00001; gnomAD exomes 0.00001; ExAC 0.00002; TOPMed 0.00002; ESP Exome Variant Server 0.00008.
gnomAD v4.1: 14 of 1,613,832 alleles (0.00087%); highest among the groups gnomAD compares: South Asian, 0.0088%; no homozygotes.

Submissions (2):

CeGaT Center for Human Genetics Tuebingen
Classification: Likely benign. Last evaluated: 2024-06-01. Review status: criteria provided, single submitter. Criteria: CeGaT Center For Human Genetics Tuebingen Variant Classification Criteria Version 2. Collection method: clinical testing. Allele origin: germline. Affected: yes. Observed: 1 variant allele.
Comment: DENND5A: BP4, BP7

Labcorp Genetics (formerly Invitae), Labcorp
Classification: Likely benign. Last evaluated: 2023-08-04. Review status: criteria provided, single submitter. Criteria: Invitae Variant Classification Sherloc (09022015). Collection method: clinical testing. Allele origin: germline.